The following is an entry in ClinVar:

ClinVar aggregate classification (germline): Uncertain significance (1 of 4 stars; one submission).

Conditions:
Glycogen storage disease IXa1. Also called: LIVER GLYCOGENOSIS, X-LINKED, TYPE I; GLYCOGEN STORAGE DISEASE VIII; GSD VIII; Glycogen storage disease 8. Identifiers: Orphanet 264580, MedGen C3694531, MONDO:0010598, OMIM 306000.

gnomAD v4.1: 14 of 1,207,661 alleles (0.0012%); highest among the groups gnomAD compares: Admixed American, 0.0022%; no homozygotes.

Submission:

Labcorp Genetics (formerly Invitae), Labcorp
Classification: Uncertain significance for Glycogen storage disease IXa1. Last evaluated: 2024-09-11. Review status: criteria provided, single submitter. Criteria: Invitae Variant Classification Sherloc (09022015). Collection method: clinical testing. Allele origin: germline.
Comment: This sequence change affects codon 1037 of the PHKA2 mRNA. It is a 'silent' change, meaning that it does not change the encoded amino acid sequence of the PHKA2 protein. This variant also falls at the last nucleotide of exon 29, which is part of the consensus splice site for this exon. This variant is present in population databases (rs767305434, gnomAD 0.004%). This variant has not been reported in the literature in individuals affected with PHKA2-related conditions. Variants that disrupt the consensus splice site are a relatively common cause of aberrant splicing (PMID: 17576681, 9536098). Algorithms developed to predict the effect of sequence changes on RNA splicing suggest that this variant may disrupt the consensus splice site. In summary, the available evidence is currently insufficient to determine the role of this variant in disease. Therefore, it has been classified as a Variant of Uncertain Significance.

Literature cited by the submitters: PubMed 17576681; PubMed 9536098.

NM_000292.3(PHKA2):c.3111G>A (p.Ala1037=)

Gene: PHKA2 (phosphorylase kinase regulatory subunit alpha 2; minus strand). Cytogenetic location: Xp22.13.
Variant type: single nucleotide variant.
Coding change: c.3111G>A on transcript NM_000292.3 (MANE Select); coding-DNA position 3111, G replaced by A.
Protein change: p.Ala1037=; no amino-acid change (alanine 1037 retained).
Molecular consequence: synonymous variant.
Genome position (GRCh38, 1-based): chrX:18,899,173, C>T on the plus strand (G>A on the coding strand, the complement: PHKA2 is on the minus strand). VCF-style: chrX-18899173-C-T. GRCh37 (hg19) VCF-style: chrX-18917291-C-T.
Identifiers: ClinVar variation 3706047 (VCV003706047.1).
Genomic context (GRCh38, chrX:18,899,173, plus strand): 5'-GCATGAGGAAGGACGCGAGGAGGAGCGGGGACGGACACAATAATCCCGAGGCACTGTTAC[C>T]GCAGACTTGGAGGAATGCGCACTGCTGGACGCGGCCTGGCCCACAGAAAAGAACTACAAA-3'
Protein context (NP_000283.1, residues 1027-1047): ASSSAHSSKS[Ala1037=]RSSTPSSPTG